The following is an entry in ClinVar:

ClinVar aggregate classification (germline): Uncertain significance (1 of 4 stars; one submission).

Conditions:
Autoimmune interstitial lung disease-arthritis syndrome. Also called: Autoinflammation and autoimmunity, systemic, with immune dysregulation. Identifiers: Orphanet 444092, MedGen C5975714, MONDO:0014629.

Allele frequency attached by ClinVar (database versions not stated): TOPMed 0.00001.

Submission:

Labcorp Genetics (formerly Invitae), Labcorp
Classification: Uncertain significance for Autoimmune interstitial lung disease-arthritis syndrome. Last evaluated: 2022-03-22. Review status: criteria provided, single submitter. Criteria: Invitae Variant Classification Sherloc (09022015). Collection method: clinical testing. Allele origin: germline.
Comment: In summary, the available evidence is currently insufficient to determine the role of this variant in disease. Therefore, it has been classified as a Variant of Uncertain Significance. Advanced modeling of protein sequence and biophysical properties (such as structural, functional, and spatial information, amino acid conservation, physicochemical variation, residue mobility, and thermodynamic stability) performed at Invitae indicates that this missense variant is expected to disrupt COPA protein function. This variant has not been reported in the literature in individuals affected with COPA-related conditions. This variant is not present in population databases (gnomAD no frequency). This sequence change replaces arginine, which is basic and polar, with tryptophan, which is neutral and slightly polar, at codon 39 of the COPA protein (p.Arg39Trp).

NM_004371.4(COPA):c.115C>T (p.Arg39Trp)

Gene: COPA (coat protein complex I subunit alpha; minus strand). Cytogenetic location: 1q23.2.
Variant type: single nucleotide variant.
Coding change: c.115C>T on transcript NM_004371.4 (MANE Select); coding-DNA position 115, C replaced by T.
Protein change: p.Arg39Trp; replaces arginine 39 with tryptophan.
Molecular consequence: missense variant.
Genome position (GRCh38, 1-based): chr1:160,340,220, G>A on the plus strand (C>T on the coding strand, the complement: COPA is on the minus strand). VCF-style: chr1-160340220-G-A. GRCh37 (hg19) VCF-style: chr1-160310010-G-A.
Other names: c.115C>T, p.Arg39Trp (NM_001098398.2); short protein forms R39W.
Identifiers: ClinVar variation 2153551 (VCV002153551.4), dbSNP rs755405751, ClinGen allele CA343273233.